The following is an entry in ClinVar:

NM_014000.3(VCL):c.3164G>A (p.Arg1055Gln)

Gene: VCL (vinculin; plus strand). Cytogenetic location: 10q22.2.
Variant type: single nucleotide variant.
Coding change: c.3164G>A on transcript NM_014000.3 (MANE Select); coding-DNA position 3164, G replaced by A.
Protein change: p.Arg1055Gln; replaces arginine 1055 with glutamine.
Molecular consequence: missense variant.
Genome position (GRCh38, 1-based): chr10:74,114,805, G>A. VCF-style: chr10-74114805-G-A. GRCh37 (hg19) VCF-style: chr10-75874563-G-A.
Other names: c.2960G>A, p.Arg987Gln (NM_003373.4); short protein forms R987Q, R1055Q.
Identifiers: ClinVar variation 648072 (VCV000648072.12), dbSNP rs878973480, ClinGen allele CA209699515.

ClinVar aggregate classification (germline): Uncertain significance. Review status: criteria provided, multiple submitters, no conflicts (2 of 4 stars). 2 submissions from 2 submitters: Uncertain significance (2). Last evaluated 2025-01-07.

Conditions:
Dilated cardiomyopathy 1W (CMD1W). Identifiers: Orphanet 154, MedGen C1969639, MONDO:0012667, OMIM 611407.

Allele frequency attached by ClinVar (database versions not stated): gnomAD exomes below 0.00001.
gnomAD v4.1: 2 of 1,606,120 alleles (0.00012%); highest among the groups gnomAD compares: Non-Finnish European, 0.00017%; no homozygotes.

Submissions (2):

GeneDx
Classification: Uncertain significance. Last evaluated: 2025-01-07. Review status: criteria provided, single submitter. Criteria: GeneDx Variant Classification Process June 2021. Collection method: clinical testing. Allele origin: germline. Affected: yes.
Comment: Has not been previously reported in peer-reviewed literature as pathogenic or benign to our knowledge; however, this variant was described in an abstract as identified among a cohort of Lebanese patients with cardiomyopathy (Refaat et al. (2017) ACC Abstract #719.); Not observed at significant frequency in large population cohorts (gnomAD); In silico analysis supports that this missense variant has a deleterious effect on protein structure/function

Labcorp Genetics (formerly Invitae), Labcorp
Classification: Uncertain significance for Dilated cardiomyopathy 1W. Last evaluated: 2024-09-30. Review status: criteria provided, single submitter. Criteria: Invitae Variant Classification Sherloc (09022015). Collection method: clinical testing. Allele origin: germline.
Comment: This sequence change replaces arginine, which is basic and polar, with glutamine, which is neutral and polar, at codon 1055 of the VCL protein (p.Arg1055Gln). The frequency data for this variant in the population databases is considered unreliable, as metrics indicate poor data quality at this position in the gnomAD database. This variant has not been reported in the literature in individuals affected with VCL-related conditions. ClinVar contains an entry for this variant (Variation ID: 648072). An algorithm developed to predict the effect of missense changes on protein structure and function (PolyPhen-2) suggests that this variant is likely to be disruptive. In summary, the available evidence is currently insufficient to determine the role of this variant in disease. Therefore, it has been classified as a Variant of Uncertain Significance.